The following is an entry in ClinVar:

ClinVar aggregate classification (germline): Uncertain significance (1 of 4 stars; one submission).

Conditions:
Inborn genetic diseases. Identifiers: MedGen C0950123, MeSH D030342.

Allele frequency attached by ClinVar (database versions not stated): gnomAD exomes below 0.00001.
gnomAD v4.1: 1 of 1,614,186 alleles (0.000062%); highest among the groups gnomAD compares: Admixed American, 0.0017%; no homozygotes.

Submission:

Ambry Genetics
Classification: Uncertain significance for Inborn genetic diseases. Last evaluated: 2020-12-22. Review status: criteria provided, single submitter. Criteria: Ambry Variant Classification Scheme 2023. Collection method: clinical testing. Allele origin: germline.
Comment: The p.M2229T variant (also known as c.6686T>C), located in coding exon 19 of the SETX gene, results from a T to C substitution at nucleotide position 6686. The methionine at codon 2229 is replaced by threonine, an amino acid with similar properties. This amino acid position is well conserved in available vertebrate species. In addition, this alteration is predicted to be deleterious by in silico analysis. Since supporting evidence is limited at this time, the clinical significance of this alteration remains unclear.

NM_015046.7(SETX):c.6686T>C (p.Met2229Thr)

Gene: SETX (senataxin; minus strand). Cytogenetic location: 9q34.13.
Variant type: single nucleotide variant.
Coding change: c.6686T>C on transcript NM_015046.7 (MANE Select); coding-DNA position 6686, T replaced by C.
Protein change: p.Met2229Thr; replaces methionine 2229 with threonine.
Molecular consequence: missense variant.
Genome position (GRCh38, 1-based): chr9:132,278,226, A>G on the plus strand (T>C on the coding strand, the complement: SETX is on the minus strand). VCF-style: chr9-132278226-A-G. GRCh37 (hg19) VCF-style: chr9-135153613-A-G.
Other names: c.6686T>C, p.Met2229Thr (NM_001351527.2, NM_001351528.2); short protein forms M2229T.
Identifiers: ClinVar variation 1754877 (VCV001754877.2), dbSNP rs1471824334, ClinGen allele CA375331648.